The following is an entry in ClinVar:

NM_003072.5(SMARCA4):c.633C>T (p.Pro211=)

Gene: SMARCA4 (SWI/SNF related BAF chromatin remodeling complex subunit ATPase 4; plus strand). Cytogenetic location: 19p13.2.
Variant type: single nucleotide variant.
Coding change: c.633C>T on transcript NM_003072.5 (MANE Select); coding-DNA position 633, C replaced by T.
Protein change: p.Pro211=; no amino-acid change (proline 211 retained).
Molecular consequence: synonymous variant. On other transcripts: non-coding transcript variant (1).
Genome position (GRCh38, 1-based): chr19:10,986,466, C>T. VCF-style: chr19-10986466-C-T. GRCh37 (hg19) VCF-style: chr19-11097142-C-T.
Other names: c.633C>T, p.Pro211= (NM_001128844.3, NM_001128845.2, NM_001128846.2 and 5 more transcripts).
Identifiers: ClinVar variation 480574 (VCV000480574.18), dbSNP rs770746055, ClinGen allele CA9203537.

ClinVar aggregate classification (germline): Benign/Likely benign. Review status: criteria provided, multiple submitters, no conflicts (2 of 4 stars). 4 submissions from 4 submitters: Benign (1); Likely benign (3). Last evaluated 2026-07-17.

Conditions:
Hereditary cancer-predisposing syndrome. Also called: Tumor predisposition; Neoplastic Syndromes, Hereditary; Hereditary Cancer Syndrome; Hereditary neoplastic syndrome. Identifiers: Orphanet 140162, MedGen C0027672, MeSH D009386, MONDO:0015356.
SMARCA4-related disorder. Also called: SMARCA4-related condition.
Rhabdoid tumor predisposition syndrome 2 (RTPS2). Identifiers: Orphanet 231108, Orphanet 69077, MedGen C2750074, MONDO:0013224, OMIM 613325.

Allele frequency attached by ClinVar (database versions not stated): gnomAD exomes 0.00001; TOPMed 0.00001; gnomAD 0.00001; ExAC 0.00005.
gnomAD v4.1: 21 of 1,555,962 alleles (0.0013%); highest among the groups gnomAD compares: African/African-American, 0.0027%; no homozygotes.

Submissions (4):

PreventionGenetics, part of Exact Sciences
Classification: Likely benign for SMARCA4-related condition. Last evaluated: 2026-07-17. Review status: criteria provided, single submitter. Criteria: ACMG Guidelines, 2015. Collection method: clinical testing. Allele origin: germline.
Comment: This variant is classified as likely benign based on ACMG/AMP sequence variant interpretation guidelines (Richards et al. 2015 PMID: 25741868, with internal and published modifications).

Myriad Genetics, Inc.
Classification: Benign for Rhabdoid tumor predisposition syndrome 2. Last evaluated: 2026-07-09. Review status: criteria provided, single submitter. Criteria: Myriad Autosomal Dominant, Autosomal Recessive and X-Linked Classification Criteria (2023). Collection method: clinical testing. Allele origin: unknown.
Comment: This variant is considered benign. This variant is a silent/synonymous amino acid change and it is not expected to impact splicing.

Labcorp Genetics (formerly Invitae), Labcorp
Classification: Likely benign for Rhabdoid tumor predisposition syndrome 2. Last evaluated: 2026-01-14. Review status: criteria provided, single submitter. Criteria: Invitae Variant Classification Sherloc (09022015). Collection method: clinical testing. Allele origin: germline.

Ambry Genetics
Classification: Likely benign for Hereditary cancer-predisposing syndrome. Last evaluated: 2015-09-25. Review status: criteria provided, single submitter. Criteria: Ambry Variant Classification Scheme 2023. Collection method: clinical testing. Allele origin: germline.